The following is an entry in ClinVar:

ClinVar aggregate classification (germline): Likely benign (1 of 4 stars; one submission).

Submission:

CeGaT Center for Human Genetics Tuebingen
Classification: Likely benign. Last evaluated: 2023-03-01. Review status: criteria provided, single submitter. Criteria: CeGaT Center For Human Genetics Tuebingen Variant Classification Criteria Version 2. Collection method: clinical testing. Allele origin: germline. Affected: yes. Observed: 1 variant allele.
Comment: TEX15: PM2:Supporting, BP4, BP7

NM_001350162.2(TEX15):c.5209T>C (p.Leu1737=)

Gene: TEX15 (testis expressed 15, meiosis and synapsis associated; minus strand). Cytogenetic location: 8p12.
Variant type: single nucleotide variant.
Coding change: c.5209T>C on transcript NM_001350162.2 (MANE Select); coding-DNA position 5209, T replaced by C.
Protein change: p.Leu1737=; no amino-acid change (leucine 1737 retained).
Molecular consequence: synonymous variant.
Genome position (GRCh38, 1-based): chr8:30,844,958, A>G on the plus strand (T>C on the coding strand, the complement: TEX15 is on the minus strand). VCF-style: chr8-30844958-A-G. GRCh37 (hg19) VCF-style: chr8-30702474-A-G.
Other names: c.4060T>C, p.Leu1354= (NM_031271.3).
Identifiers: ClinVar variation 2658522 (VCV002658522.24), dbSNP rs2486823839, ClinGen allele CA460485273.
Genomic context (GRCh38, chr8:30,844,958, plus strand): 5'-AGTGTGGTACAGTACTGGATGCTGCAAAAGAATCTACAGTAAGAATTCTCTGCTTATCCA[A>G]GTAAGATTTTGAAGATTCTCCCTCACTATCTGTCACTGCAGCGGCTGATAACTGAGGAAT-3'
Protein context (NP_001337091.1, residues 1727-1747): DSEGESSKSY[Leu1737=]DKQRILTVDS